The following is an entry in ClinVar:

NM_000370.3(TTPA):c.752C>T (p.Ser251Phe)

Gene: TTPA (alpha tocopherol transfer protein; minus strand). Cytogenetic location: 8q12.3.
Variant type: single nucleotide variant.
Coding change: c.752C>T on transcript NM_000370.3 (MANE Select); coding-DNA position 752, C replaced by T.
Protein change: p.Ser251Phe; replaces serine 251 with phenylalanine.
Molecular consequence: missense variant.
Genome position (GRCh38, 1-based): chr8:63,061,337, G>A on the plus strand (C>T on the coding strand, the complement: TTPA is on the minus strand). VCF-style: chr8-63061337-G-A. GRCh37 (hg19) VCF-style: chr8-63973896-G-A.
Other names: short protein forms S251F.
Identifiers: ClinVar variation 448840 (VCV000448840.17), dbSNP rs756313678, ClinGen allele CA4763147.

ClinVar aggregate classification (germline): Uncertain significance. Review status: criteria provided, multiple submitters, no conflicts (2 of 4 stars). 7 submissions from 7 submitters: Uncertain significance (6). 1 of the submissions does not count toward it. Last evaluated 2024-12-27.

Conditions:
Inborn genetic diseases. Identifiers: MedGen C0950123, MeSH D030342.
Familial isolated deficiency of vitamin E (AVED). Also called: ATAXIA, FRIEDREICH-LIKE, WITH SELECTIVE VITAMIN E DEFICIENCY; Ataxia with isolated vitamin E deficiency. Identifiers: Orphanet 96, MedGen C1848533, MONDO:0010188, OMIM 277460.

Allele frequency attached by ClinVar (database versions not stated): ExAC 0.00001; gnomAD 0.00001; TOPMed 0.00001; gnomAD exomes 0.00002 and 0.00005.

Submissions (7):

Athena Diagnostics
Classification: Uncertain significance. Last evaluated: 2024-12-27. Review status: criteria provided, single submitter. Criteria: Athena Diagnostics Criteria. Collection method: clinical testing. Allele origin: unknown.
Comment: Available data are insufficient to determine the clinical significance of the variant at this time. The frequency of this variant in the general population is uninformative in assessment of its pathogenicity. Polyphen and MutationTaster predict this amino acid change may be benign.

Labcorp Genetics (formerly Invitae), Labcorp
Classification: Uncertain significance. Last evaluated: 2024-11-04. Review status: criteria provided, single submitter. Criteria: Invitae Variant Classification Sherloc (09022015). Collection method: clinical testing. Allele origin: germline.
Comment: This sequence change replaces serine, which is neutral and polar, with phenylalanine, which is neutral and non-polar, at codon 251 of the TTPA protein (p.Ser251Phe). This variant is present in population databases (rs756313678, gnomAD 0.03%). This variant has not been reported in the literature in individuals affected with TTPA-related conditions. ClinVar contains an entry for this variant (Variation ID: 448840). Invitae Evidence Modeling of protein sequence and biophysical properties (such as structural, functional, and spatial information, amino acid conservation, physicochemical variation, residue mobility, and thermodynamic stability) indicates that this missense variant is not expected to disrupt TTPA protein function with a negative predictive value of 80%. In summary, the available evidence is currently insufficient to determine the role of this variant in disease. Therefore, it has been classified as a Variant of Uncertain Significance.

Ambry Genetics
Classification: Uncertain significance for Inborn genetic diseases. Last evaluated: 2024-06-11. Review status: criteria provided, single submitter. Criteria: Ambry Variant Classification Scheme 2023. Collection method: clinical testing. Allele origin: germline.

Blueprint Genetics
Classification: Uncertain significance. Last evaluated: 2022-10-06. Review status: criteria provided, single submitter. Criteria: ACMG Guidelines, 2015. Collection method: clinical testing. Allele origin: germline.

Mayo Clinic Laboratories, Mayo Clinic
Classification: Uncertain significance. Last evaluated: 2022-04-19. Review status: criteria provided, single submitter. Criteria: ACMG Guidelines, 2015. Collection method: clinical testing. Allele origin: germline. Observed: 1 variant allele.

Illumina Laboratory Services, Illumina
Classification: Uncertain significance for Familial isolated deficiency of vitamin E. Last evaluated: 2018-01-13. Review status: criteria provided, single submitter. Criteria: ICSL Variant Classification Criteria 13 December 2019. Collection method: clinical testing. Allele origin: germline.

Natera, Inc.
Classification: Uncertain significance for Ataxia with isolated vitamin E deficiency. Last evaluated: 2019-11-11. Review status: no assertion criteria provided. Collection method: clinical testing. Allele origin: germline. Not counted in ClinVar's aggregate classification.